The following is an entry in ClinVar:

ClinVar aggregate classification (germline): Conflicting classifications of pathogenicity. Review status: criteria provided, conflicting classifications (1 of 4 stars). 2 submissions from 2 submitters: Likely pathogenic (1); Uncertain significance (1). Last evaluated 2026-03-31.

Conditions:
Mandibulofacial dysostosis-microcephaly syndrome (MFDGA). Also called: Mandibulofacial dysostosis, Guion-Almeida type; Growth and mental retardation, mandibulofacial dysostosis, microcephaly, and cleft palate. Identifiers: Orphanet 79113, MedGen C1864652, MONDO:0012516, OMIM 610536.
Esophageal atresia. Also called: Esophageal atresia (disease). Identifiers: MedGen C0014850, MeSH D004933, MONDO:0001044, HP:0002032.

Submissions (2):

Clinical Genetics Laboratory, Skane University Hospital Lund
Classification: Likely pathogenic for Esophageal atresia. Last evaluated: 2026-03-31. Review status: criteria provided, single submitter. Criteria: ACMG Guidelines, 2015. Collection method: clinical testing. Allele origin: de novo. Inheritance: Autosomal dominant inheritance. Affected: yes.
Comment: EFTUD2 (NM_004247.4) c.995-10T>A, p.? represents a nucleotide substitution in intron 11 of 27, which is predicted with high likelihood (SpliceAI: 0.60) to lead to altered splicing of exon 12 of 28 and a frameshift with a premature stop codon, resulting in a truncated protein or loss of protein expression from the allele. EFTUD2 c.995-10T>A has not been observed in the general population and has not previously been reported in ClinVar. The patient’s symptoms are considered to be consistent with those described for the EFTUD2-related condition. The variant has been classified as likely pathogenic based on the following ACMG criteria: PS2, PM2, and PP3.

Juno Genomics, Hangzhou Juno Genomics, Inc
Classification: Uncertain significance for Mandibulofacial dysostosis-microcephaly syndrome. Review status: criteria provided, single submitter. Criteria: ACMG Guidelines, 2015. Collection method: clinical testing. Allele origin: germline.
Comment: Absent from controls (or at extremely low frequency if recessive) in Genome Aggregation Database.;Multiple lines of computational evidence support a deleterious effect on the gene or gene product.

NM_004247.4(EFTUD2):c.995-10T>A

Gene: EFTUD2 (elongation factor Tu GTP binding domain containing 2; minus strand). Cytogenetic location: 17q21.31.
Variant type: single nucleotide variant.
Coding change: c.995-10T>A on transcript NM_004247.4 (MANE Select); 10 bases into the intron before coding-DNA position 995, T replaced by A.
Molecular consequence: intron variant.
Genome position (GRCh38, 1-based): chr17:44,868,360, A>T on the plus strand (T>A on the coding strand, the complement: EFTUD2 is on the minus strand). VCF-style: chr17-44868360-A-T. GRCh37 (hg19) VCF-style: chr17-42945728-A-T.
Other names: c.890-10T>A (NM_001142605.2); c.965-10T>A (NM_001258354.2); c.995-10T>A (NM_001258353.2).
Identifiers: ClinVar variation 4818856 (VCV004818856.3).